The following is an entry in ClinVar:

ClinVar aggregate classification (germline): Uncertain significance. Review status: criteria provided, multiple submitters, no conflicts (2 of 4 stars). 2 submissions from 2 submitters: Uncertain significance (2). Last evaluated 2024-12-02.

Conditions:
Nephronophthisis 14 (NPHP14). Identifiers: Orphanet 2318, MedGen C3539071, MONDO:0013916, OMIM 614844.

Allele frequency attached by ClinVar (database versions not stated): gnomAD exomes below 0.00001; TOPMed below 0.00001; ExAC 0.00001; gnomAD 0.00001.
gnomAD v4.1: 5 of 1,613,628 alleles (0.00031%); highest among the groups gnomAD compares: South Asian, 0.0011%; no homozygotes.

Submissions (2):

Ambry Genetics
Classification: Uncertain significance. Last evaluated: 2024-12-02. Review status: criteria provided, single submitter. Criteria: Ambry Variant Classification Scheme 2023. Collection method: clinical testing. Allele origin: germline.

Labcorp Genetics (formerly Invitae), Labcorp
Classification: Uncertain significance for Nephronophthisis 14. Last evaluated: 2024-03-11. Review status: criteria provided, single submitter. Criteria: Invitae Variant Classification Sherloc (09022015). Collection method: clinical testing. Allele origin: germline.
Comment: This sequence change replaces arginine, which is basic and polar, with cysteine, which is neutral and slightly polar, at codon 205 of the ZNF423 protein (p.Arg205Cys). This variant is present in population databases (rs750302289, gnomAD 0.0009%). This variant has not been reported in the literature in individuals affected with ZNF423-related conditions. ClinVar contains an entry for this variant (Variation ID: 2113485). Advanced modeling of protein sequence and biophysical properties (such as structural, functional, and spatial information, amino acid conservation, physicochemical variation, residue mobility, and thermodynamic stability) performed at Invitae indicates that this missense variant is not expected to disrupt ZNF423 protein function with a negative predictive value of 80%. In summary, the available evidence is currently insufficient to determine the role of this variant in disease. Therefore, it has been classified as a Variant of Uncertain Significance.

NM_001379286.1(ZNF423):c.637C>T (p.Arg213Cys)

Gene: ZNF423 (zinc finger protein 423; minus strand). Cytogenetic location: 16q12.1.
Variant type: single nucleotide variant.
Coding change: c.637C>T on transcript NM_001379286.1 (MANE Select); coding-DNA position 637, C replaced by T.
Protein change: p.Arg213Cys; replaces arginine 213 with cysteine.
Molecular consequence: missense variant.
Genome position (GRCh38, 1-based): chr16:49,638,539, G>A on the plus strand (C>T on the coding strand, the complement: ZNF423 is on the minus strand). VCF-style: chr16-49638539-G-A. GRCh37 (hg19) VCF-style: chr16-49672450-G-A.
Other names: c.613C>T (NM_015069.2); c.433C>T, p.Arg145Cys (NM_001271620.2); c.262C>T, p.Arg88Cys (NM_001330533.2); c.613C>T, p.Arg205Cys (NM_015069.5); short protein forms R145C, R213C, R205C, R88C.
Identifiers: ClinVar variation 2113485 (VCV002113485.5), dbSNP rs750302289, ClinGen allele CA8046848.